The following is an entry in ClinVar:

ClinVar aggregate classification (germline): Uncertain significance. Review status: criteria provided, multiple submitters, no conflicts (2 of 4 stars). 2 submissions from 2 submitters: Uncertain significance (2). Last evaluated 2023-08-15.

Conditions:
Cardiovascular phenotype. Identifiers: MedGen CN230736.
Catecholaminergic polymorphic ventricular tachycardia 1. Also called: RYR2-Related Catecholaminergic Polymorphic Ventricular Tachycardia; VENTRICULAR TACHYCARDIA, CATECHOLAMINERGIC POLYMORPHIC, 1, WITH OR WITHOUT ATRIAL DYSFUNCTION AND/OR DILATED CARDIOMYOPATHY; VENTRICULAR TACHYCARDIA, STRESS-INDUCED POLYMORPHIC 1. Identifiers: Orphanet 3286, MedGen C1631597, MONDO:0011484, OMIM 604772.

Allele frequency attached by ClinVar (database versions not stated): gnomAD 0.00001; TOPMed 0.00001.
gnomAD v4.1: 1 of 1,613,576 alleles (0.000062%); highest among the groups gnomAD compares: African/African-American, 0.0013%; no homozygotes.

Submissions (2):

Ambry Genetics
Classification: Uncertain significance for Cardiovascular phenotype. Last evaluated: 2023-08-15. Review status: criteria provided, single submitter. Criteria: Ambry Variant Classification Scheme 2023. Collection method: clinical testing. Allele origin: germline.
Comment: The p.A2651V variant (also known as c.7952C>T), located in coding exon 52 of the RYR2 gene, results from a C to T substitution at nucleotide position 7952. The alanine at codon 2651 is replaced by valine, an amino acid with similar properties. This amino acid position is well conserved in available vertebrate species. In addition, this alteration is predicted to be deleterious by in silico analysis. Since supporting evidence is limited at this time, the clinical significance of this alteration remains unclear.

Labcorp Genetics (formerly Invitae), Labcorp
Classification: Uncertain significance for Catecholaminergic polymorphic ventricular tachycardia 1. Last evaluated: 2021-07-16. Review status: criteria provided, single submitter. Criteria: Invitae Variant Classification Sherloc (09022015). Collection method: clinical testing. Allele origin: germline.
Comment: This sequence change replaces alanine with valine at codon 2651 of the RYR2 protein (p.Ala2651Val). The alanine residue is highly conserved and there is a small physicochemical difference between alanine and valine. In summary, the available evidence is currently insufficient to determine the role of this variant in disease. Therefore, it has been classified as a Variant of Uncertain Significance. Algorithms developed to predict the effect of missense changes on protein structure and function (SIFT, PolyPhen-2, Align-GVGD) all suggest that this variant is likely to be disruptive. This variant has not been reported in the literature in individuals affected with RYR2-related conditions. This variant is not present in population databases (ExAC no frequency).

NM_001035.3(RYR2):c.7952C>T (p.Ala2651Val)

Gene: RYR2 (ryanodine receptor 2; plus strand). Cytogenetic location: 1q43.
Variant type: single nucleotide variant.
Coding change: c.7952C>T on transcript NM_001035.3 (MANE Select); coding-DNA position 7952, C replaced by T.
Protein change: p.Ala2651Val; replaces alanine 2651 with valine.
Molecular consequence: missense variant.
Genome position (GRCh38, 1-based): chr1:237,654,401, C>T. VCF-style: chr1-237654401-C-T. GRCh37 (hg19) VCF-style: chr1-237817701-C-T.
Other names: c.7952C>T (NM_001035.2); short protein forms A2651V.
Identifiers: ClinVar variation 1378650 (VCV001378650.10), dbSNP rs1259240846, ClinGen allele CA345400540.